The following is an entry in ClinVar:

NM_000059.4(BRCA2):c.5835_5842dup (p.Cys1948fs)

Gene: BRCA2 (BRCA2 DNA repair associated; plus strand). Cytogenetic location: 13q13.1.
Variant type: Duplication.
Coding change: c.5835_5842dup on transcript NM_000059.4 (MANE Select); coding-DNA positions 5835 to 5842, 8 bases duplicated (ATCACCTT; older notation c.5835_5842dupATCACCTT).
Protein change: p.Cys1948fs; shifts the reading frame from cysteine 1948.
Molecular consequence: frameshift variant.
Genome position (GRCh38, 1-based): chr13:32,340,190-32,340,197, ATCACCTT duplicated; duplicating any 8 consecutive bases within chr13:32,340,189-32,340,197 gives the same sequence; the c. name uses the placement nearest the transcript's 3' end. VCF-style (leftmost placement, unchanged base first): chr13-32340188-A-ATATCACCT. GRCh37 (hg19) VCF-style: chr13-32914325-A-ATATCACCT.
Other names: 6071ins8-ter1965; short protein forms C1948fs.
Identifiers: ClinVar variation 266898 (VCV000266898.5), dbSNP rs886040613, ClinGen allele CA10589332.

ClinVar aggregate classification (germline): Pathogenic. Review status: reviewed by expert panel (3 of 4 stars). 2 submissions from 2 submitters: Pathogenic (1). 1 of the submissions does not count toward it. Last evaluated 2016-10-18.

Conditions:
Breast-ovarian cancer, familial, susceptibility to, 2 (BROVCA2). Also called: BRCA2 Hereditary Breast and Ovarian Cancer. Identifiers: Orphanet 145, MedGen C2675520, MONDO:0012933, OMIM 612555. Disease mechanism: loss of function.

Submissions (2):

Evidence-based Network for the Interpretation of Germline Mutant Alleles (ENIGMA)
Classification: Pathogenic for Breast-ovarian cancer, familial, susceptibility to, 2. Last evaluated: 2016-10-18. Review status: reviewed by expert panel. Criteria: ENIGMA BRCA1/2 Classification Criteria (2015). Collection method: curation. Allele origin: germline.
Comment: Variant allele predicted to encode a truncated non-functional protein.

Consortium of Investigators of Modifiers of BRCA1/2 (CIMBA), c/o University of Cambridge
Classification: Pathogenic for Breast-ovarian cancer, familial, susceptibility to, 2. Last evaluated: 2015-10-02. Review status: criteria provided, single submitter. Criteria: CIMBA Mutation Classification guidelines May 2016. Collection method: clinical testing. Allele origin: germline. Not counted in ClinVar's aggregate classification.